The following is an entry in ClinVar:

ClinVar aggregate classification (germline): Benign. Review status: criteria provided, multiple submitters, no conflicts (2 of 4 stars). 10 submissions from 10 submitters: Benign (8). 2 of the submissions do not count toward it. Last evaluated 2026-01-25.

Conditions:
Microcephaly 2, primary, autosomal recessive, with or without cortical malformations. Also called: WDR62 Primary Microcephaly; MICROCEPHALY 2, PRIMARY, AUTOSOMAL RECESSIVE, WITH CORTICAL MALFORMATIONS. Identifiers: Orphanet 2512, MedGen C1858535, MONDO:0011435, OMIM 604317.

Allele frequency attached by ClinVar (database versions not stated): TOPMed 0.01056; 1000 Genomes Project 0.01358; 1000 Genomes Project 30x 0.01421; ESP Exome Variant Server 0.00946; gnomAD 0.00960 and 0.01050; gnomAD exomes 0.01105 and 0.00859; ExAC 0.01172.
gnomAD v4.1: 14,296 of 1,612,156 alleles (0.89%); highest among the groups gnomAD compares: South Asian, 4%; 156 homozygotes.

Submissions (10):

Labcorp Genetics (formerly Invitae), Labcorp
Classification: Benign. Last evaluated: 2026-01-25. Review status: criteria provided, single submitter. Criteria: Invitae Variant Classification Sherloc (09022015). Collection method: clinical testing. Allele origin: germline.

Genome-Nilou Lab
Classification: Benign for Microcephaly 2, primary, autosomal recessive, with or without cortical malformations. Last evaluated: 2021-12-05. Review status: criteria provided, single submitter. Criteria: ACMG Guidelines, 2015. Collection method: clinical testing. Allele origin: germline. Affected: no.

Mayo Clinic Laboratories, Mayo Clinic
Classification: Benign. Last evaluated: 2019-03-26. Review status: criteria provided, single submitter. Criteria: ACMG Guidelines, 2015. Collection method: clinical testing. Allele origin: germline. Observed: 18 variant alleles.

Athena Diagnostics
Classification: Benign. Last evaluated: 2018-11-20. Review status: criteria provided, single submitter. Criteria: Athena Diagnostics Criteria. Collection method: clinical testing. Allele origin: germline.

Illumina Laboratory Services, Illumina
Classification: Benign for Microcephaly 2, primary, autosomal recessive, with or without cortical malformations. Last evaluated: 2018-01-13. Review status: criteria provided, single submitter. Criteria: ICSL Variant Classification Criteria 13 December 2019. Collection method: clinical testing. Allele origin: germline.
Comment: This variant was observed in the ICSL laboratory as part of a predisposition screen in an ostensibly healthy population. It had not been previously curated by ICSL or reported in the Human Gene Mutation Database (HGMD: prior to June 1st, 2018), and was therefore a candidate for classification through an automated scoring system. Utilizing variant allele frequency, disease prevalence and penetrance estimates, and inheritance mode, an automated score was calculated to assess if this variant is too frequent to cause the disease. Based on the score and internal cut-off values, a variant classified as benign is not then subjected to further curation. The score for this variant resulted in a classification of benign for this disease.

GeneDx
Classification: Benign. Last evaluated: 2014-05-09. Review status: criteria provided, single submitter. Criteria: GeneDx Variant Classification (06012015). Collection method: clinical testing. Allele origin: germline. Affected: yes.
Comment: This variant is considered likely benign or benign based on one or more of the following criteria: it is a conservative change, it occurs at a poorly conserved position in the protein, it is predicted to be benign by multiple in silico algorithms, and/or has population frequency not consistent with disease.

Genetic Services Laboratory, University of Chicago
Classification: Benign. Last evaluated: 2013-03-27. Review status: criteria provided, single submitter. Criteria: ACMG Guidelines, 2007. Collection method: clinical testing. Allele origin: germline. Inheritance: Autosomal recessive inheritance.

Breakthrough Genomics
Classification: Benign. Review status: criteria provided, single submitter. Criteria: ACMG Guidelines, 2015. Collection method: not provided. Allele origin: germline. Inheritance: Autosomal recessive inheritance. Affected: yes.

Clinical Genetics DNA and cytogenetics Diagnostics Lab, Erasmus MC, Erasmus Medical Center
Classification: Likely benign. Review status: no assertion criteria provided. Collection method: clinical testing. Allele origin: germline. Affected: yes. Study: VKGL Data-share Consensus. Not counted in ClinVar's aggregate classification.

Laboratory of Diagnostic Genome Analysis, Leiden University Medical Center (LUMC)
Classification: Likely benign. Review status: no assertion criteria provided. Collection method: clinical testing. Allele origin: germline. Affected: yes. Study: VKGL Data-share Consensus. Not counted in ClinVar's aggregate classification.

NM_001083961.2(WDR62):c.1642+8C>T

Gene: WDR62 (WD repeat domain 62; plus strand). Cytogenetic location: 19q13.12.
Variant type: single nucleotide variant.
Coding change: c.1642+8C>T on transcript NM_001083961.2 (MANE Select); 8 bases into the intron after coding-DNA position 1642, C replaced by T.
Molecular consequence: intron variant.
Genome position (GRCh38, 1-based): chr19:36,084,752, C>T. VCF-style: chr19-36084752-C-T. GRCh37 (hg19) VCF-style: chr19-36575654-C-T.
Other names: p.?; c.1642+8C>T (NM_173636.5).
Identifiers: ClinVar variation 137907 (VCV000137907.22), dbSNP rs143309981, ClinGen allele CA173898.
Genomic context (GRCh38, chr19:36,084,752, plus strand): 5'-GGAGGCCCATGATGCTGAGGTGCTGTGCCTGGAGTACTCCAAGCCAGAGACGGGTGAGCC[C>T]GCAGCAGGGGTGGAATGGGGGTCAGGCAGGGAGGCAGCCCCCCTGGCAGGGCCACAGAAA-3'